The following is an entry in ClinVar:

NM_001367624.2(ZNF469):c.8746A>T (p.Ser2916Cys)

Gene: ZNF469 (zinc finger protein 469; plus strand). Cytogenetic location: 16q24.2.
Variant type: single nucleotide variant.
Coding change: c.8746A>T on transcript NM_001367624.2 (MANE Select); coding-DNA position 8746, A replaced by T.
Protein change: p.Ser2916Cys; replaces serine 2916 with cysteine.
Molecular consequence: missense variant.
Genome position (GRCh38, 1-based): chr16:88,436,216, A>T. VCF-style: chr16-88436216-A-T. GRCh37 (hg19) VCF-style: chr16-88502624-A-T.
Other names: NM_001127464.1:c.8662A>T; short protein forms S2916C.
Identifiers: ClinVar variation 3232869 (VCV003232869.1), dbSNP rs1226651322, ClinGen allele CA397119338.

ClinVar aggregate classification (germline): Uncertain significance (1 of 4 stars; one submission).

Conditions:
Cardiovascular phenotype. Identifiers: MedGen CN230736.

Allele frequency attached by ClinVar (database versions not stated): gnomAD exomes below 0.00001; TOPMed below 0.00001; gnomAD 0.00001.
gnomAD v4.1: 4 of 1,548,750 alleles (0.00026%); highest among the groups gnomAD compares: Non-Finnish European, 0.00035%; no homozygotes.

Submission:

Ambry Genetics
Classification: Uncertain significance for Cardiovascular phenotype. Last evaluated: 2023-12-02. Review status: criteria provided, single submitter. Criteria: Ambry Variant Classification Scheme 2023. Collection method: clinical testing. Allele origin: germline.
Comment: The p.S2888C variant (also known as c.8662A>T), located in coding exon 2 of the ZNF469 gene, results from an A to T substitution at nucleotide position 8662. The serine at codon 2888 is replaced by cysteine, an amino acid with dissimilar properties. This amino acid position is conserved. In addition, this alteration is predicted to be tolerated by in silico analysis. Since supporting evidence is limited at this time, the clinical significance of this alteration remains unclear.